The following is an entry in ClinVar:

NM_017780.4(CHD7):c.6433C>T (p.Pro2145Ser)

Gene: CHD7 (chromodomain helicase DNA binding protein 7; plus strand). Cytogenetic location: 8q12.2.
Variant type: single nucleotide variant.
Coding change: c.6433C>T on transcript NM_017780.4 (MANE Select); coding-DNA position 6433, C replaced by T.
Protein change: p.Pro2145Ser; replaces proline 2145 with serine.
Molecular consequence: missense variant. On other transcripts: intron variant (1).
Genome position (GRCh38, 1-based): chr8:60,853,158, C>T. VCF-style: chr8-60853158-C-T. GRCh37 (hg19) VCF-style: chr8-61765717-C-T.
Other names: c.1717-9071C>T (NM_001316690.1); short protein forms P2145S.
Identifiers: ClinVar variation 2016759 (VCV002016759.4), dbSNP rs1332199774, ClinGen allele CA371325190.
Genomic context (GRCh38, chr8:60,853,158, plus strand): 5'-TTGGATGCACATAAAAACTTTGCTCAAAACAGAGGGGCAGGTAATACATCTTCCTTGAAC[C>T]CACTGGCAGTTGGATTTGTCCAGACTCCTCCAGTCATCTCATCTGCTCATATTCAAGATG-3'
Protein context (NP_060250.2, residues 2135-2155): RGAGNTSSLN[Pro2145Ser]LAVGFVQTPP

ClinVar aggregate classification (germline): Uncertain significance (1 of 4 stars; one submission).

Conditions:
CHARGE syndrome (CHARGE). Also called: Hittner Hirsch Kreh syndrome; CHARGE ASSOCIATION--COLOBOMA, HEART ANOMALY, CHOANAL ATRESIA, RETARDATION, GENITAL AND EAR ANOMALIES; Coloboma, heart anomaly, choanal atresia, retardation, genital and ear anomalies; CHARGE association; Hall-Hittner syndrome. Identifiers: Orphanet 138, MedGen C0265354, MONDO:0008965.

Submission:

Labcorp Genetics (formerly Invitae), Labcorp
Classification: Uncertain significance for CHARGE syndrome. Last evaluated: 2022-07-21. Review status: criteria provided, single submitter. Criteria: Invitae Variant Classification Sherloc (09022015). Collection method: clinical testing. Allele origin: germline.
Comment: This sequence change replaces proline, which is neutral and non-polar, with serine, which is neutral and polar, at codon 2145 of the CHD7 protein (p.Pro2145Ser). This variant is not present in population databases (gnomAD no frequency). In summary, the available evidence is currently insufficient to determine the role of this variant in disease. Therefore, it has been classified as a Variant of Uncertain Significance. Advanced modeling of protein sequence and biophysical properties (such as structural, functional, and spatial information, amino acid conservation, physicochemical variation, residue mobility, and thermodynamic stability) performed at Invitae indicates that this missense variant is not expected to disrupt CHD7 protein function. This variant has not been reported in the literature in individuals affected with CHD7-related conditions.